The following is an entry in ClinVar:

NM_001201543.2(FAM161A):c.*1210T>C

Gene: FAM161A (FAM161 centrosomal protein A; minus strand). Cytogenetic location: 2p15.
Variant type: single nucleotide variant.
Coding change: c.*1210T>C on transcript NM_001201543.2 (MANE Select); 1210 bases downstream of the stop codon, T replaced by C.
Molecular consequence: 3 prime UTR variant. On other transcripts: non-coding transcript variant (1).
Genome position (GRCh38, 1-based): chr2:61,825,245, A>G on the plus strand (T>C on the coding strand, the complement: FAM161A is on the minus strand). VCF-style: chr2-61825245-A-G. GRCh37 (hg19) VCF-style: chr2-62052380-A-G.
Other names: c.*1210T>C (NM_032180.3).
Identifiers: ClinVar variation 336715 (VCV000336715.6), dbSNP rs3736598, ClinGen allele CA1678854.

ClinVar aggregate classification (germline): Benign. Review status: criteria provided, multiple submitters, no conflicts (2 of 4 stars). 2 submissions from 2 submitters: Benign (2). Last evaluated 2018-01-12.

Conditions:
Retinitis pigmentosa (RP). Identifiers: Orphanet 791, MedGen C0035334, MeSH D012174, MONDO:0019200, OMIM 268000. Inheritance: Autosomal dominant, autosomal recessive and X linked inheritance.

Allele frequency attached by ClinVar (database versions not stated): gnomAD 0.37515 and 0.38318; TOPMed 0.38536; ExAC 0.39733; 1000 Genomes Project 30x 0.47470; 1000 Genomes Project 0.47644.
gnomAD v4.1: 172,459 of 444,628 alleles (39%); highest among the groups gnomAD compares: East Asian, 68%; 35,466 homozygotes.

Submissions (2):

Illumina Laboratory Services, Illumina
Classification: Benign for Retinitis pigmentosa. Last evaluated: 2018-01-12. Review status: criteria provided, single submitter. Criteria: ICSL Variant Classification Criteria 13 December 2019. Collection method: clinical testing. Allele origin: germline.
Comment: This variant was observed in the ICSL laboratory as part of a predisposition screen in an ostensibly healthy population. It had not been previously curated by ICSL or reported in the Human Gene Mutation Database (HGMD: prior to June 1st, 2018), and was therefore a candidate for classification through an automated scoring system. Utilizing variant allele frequency, disease prevalence and penetrance estimates, and inheritance mode, an automated score was calculated to assess if this variant is too frequent to cause the disease. Based on the score and internal cut-off values, a variant classified as benign is not then subjected to further curation. The score for this variant resulted in a classification of benign for this disease.

Breakthrough Genomics
Classification: Benign. Review status: criteria provided, single submitter. Criteria: ACMG Guidelines, 2015. Collection method: not provided. Allele origin: germline. Inheritance: Unknown mechanism. Affected: yes.